The following is an entry in ClinVar:

NM_020719.3(PRR12):c.3958C>T (p.Arg1320Ter)

Gene: PRR12 (proline rich 12; plus strand). Cytogenetic location: 19q13.33.
Variant type: single nucleotide variant.
Coding change: c.3958C>T on transcript NM_020719.3 (MANE Select); coding-DNA position 3958, C replaced by T.
Protein change: p.Arg1320Ter; replaces arginine 1320 with a stop codon.
Molecular consequence: nonsense.
Genome position (GRCh38, 1-based): chr19:49,599,551, C>T. VCF-style: chr19-49599551-C-T. GRCh37 (hg19) VCF-style: chr19-50102808-C-T.
Other names: short protein forms R1320*.
Identifiers: ClinVar variation 1676831 (VCV001676831.31), dbSNP rs2122309575, ClinGen allele CA406889180.

ClinVar aggregate classification (germline): Pathogenic. Review status: criteria provided, multiple submitters, no conflicts (2 of 4 stars). 2 submissions from 2 submitters: Pathogenic (2). Last evaluated 2022-11-01.

Conditions:
Neuroocular syndrome. Identifiers: MedGen C5551362, MONDO:0859193.

Submissions (2):

CeGaT Center for Human Genetics Tuebingen
Classification: Pathogenic. Last evaluated: 2022-11-01. Review status: criteria provided, single submitter. Criteria: CeGaT Center For Human Genetics Tuebingen Variant Classification Criteria Version 2. Collection method: clinical testing. Allele origin: germline. Affected: yes. Observed: 3 variant alleles.

SIB Swiss Institute of Bioinformatics
Classification: Pathogenic for Neuroocular syndrome 1. Last evaluated: 2022-03-18. Review status: criteria provided, single submitter. Criteria: ACMG Guidelines, 2015. Collection method: curation. Allele origin: unknown.
Comment: This variant is interpreted as pathogenic for Neuroocular syndrome, autosomal dominant. The following ACMG Tag(s) were applied: Absent from controls (or at extremely low frequency if recessive) in Exome Sequencing Project, 1000 Genomes Project, or Exome Aggregation Consortium (PM2); De novo with paternity and maternity confirmed (PS2); Predicted nullvariant in a gene where LOF is a known mechanism of disease (PVS1 downgraded to strong).

Literature cited by the submitters: PubMed 33824499 (cited by SIB Swiss Institute of Bioinformatics).